The following is an entry in ClinVar:

ClinVar aggregate classification (germline): Uncertain significance (1 of 4 stars; one submission).

Conditions:
BTD-related disorder. Also called: BTD-related condition.

gnomAD v4.1: 14 of 1,614,218 alleles (0.00087%); highest among the groups gnomAD compares: Middle Eastern, 0.016%; no homozygotes.

Submission:

PreventionGenetics, part of Exact Sciences
Classification: Uncertain significance for BTD-related condition. Last evaluated: 2025-08-13. Review status: criteria provided, single submitter. Criteria: ACMG Guidelines, 2015. Collection method: clinical testing. Allele origin: germline.
Comment: The BTD c.1498C>G variant is predicted to result in the amino acid substitution p.Leu500Val. To our knowledge, this variant has not been reported in the literature. This variant is reported in 0.0062% of alleles in individuals of African descent in gnomAD. At this time, the clinical significance of this variant is uncertain due to the absence of conclusive functional and genetic evidence.

NM_001370658.1(BTD):c.1438C>G (p.Leu480Val)

Gene: BTD (biotinidase; plus strand). Cytogenetic location: 3p25.1.
Variant type: single nucleotide variant.
Coding change: c.1438C>G on transcript NM_001370658.1 (MANE Select); coding-DNA position 1438, C replaced by G.
Protein change: p.Leu480Val; replaces leucine 480 with valine.
Molecular consequence: missense variant. On other transcripts: intron variant (8).
Genome position (GRCh38, 1-based): chr3:15,645,354, C>G. VCF-style: chr3-15645354-C-G. GRCh37 (hg19) VCF-style: chr3-15686861-C-G.
Other names: c.1438C>G, p.Leu480Val (NM_001281723.4, NM_001281724.3, NM_001281725.3 and 16 more transcripts); c.1498C>G (NM_000060.4); c.1015+423C>G (NM_001370752.1, NM_001407379.1); c.399+3297C>G (NM_001370753.1, NM_001407400.1, NM_001407401.1 and 3 more transcripts); short protein forms L480V.
Identifiers: ClinVar variation 4984555 (VCV004984555.1).
Genomic context (GRCh38, chr3:15,645,354, plus strand): 5'-GGGATATTTGAGTTTCACCTGTGGGGCAACTTCAGTACTTCCTATATCTTTCCTTTGTTT[C>G]TGACCTCAGGGATGACCCTAGAAGTCCCTGACCAGCTTGGCTGGGAGAATGACCACTATT-3'
Protein context (NP_001357587.1, residues 470-490): FSTSYIFPLF[Leu480Val]TSGMTLEVPD